The following is an entry in ClinVar:

ClinVar aggregate classification (germline): Uncertain significance (1 of 4 stars; one submission).

Conditions:
Epilepsy, idiopathic generalized, susceptibility to, 13. Also called: EPILEPSY, JUVENILE MYOCLONIC, SUSCEPTIBILITY TO, 5. Identifiers: Orphanet 307, Orphanet 64280, MedGen C4013473, MONDO:0012627, OMIM 611136.
Epilepsy, childhood absence 4 (ECA4). Also called: EPILEPSY, CHILDHOOD ABSENCE, SUSCEPTIBILITY TO, 4. Identifiers: Orphanet 307, MedGen C1970160.
Idiopathic generalized epilepsy. Also called: Generalised epilepsy; EIG. Identifiers: MedGen C0270850, MONDO:0005579, OMIM 600669.

Allele frequency attached by ClinVar (database versions not stated): gnomAD exomes below 0.00001; gnomAD 0.00001; TOPMed 0.00001.
gnomAD v4.1: 6 of 1,613,170 alleles (0.00037%); highest among the groups gnomAD compares: Non-Finnish European, 0.00051%; no homozygotes.

Submission:

Labcorp Genetics (formerly Invitae), Labcorp
Classification: Uncertain significance for Epilepsy, childhood absence 4; Epilepsy, idiopathic generalized, susceptibility to, 13; Idiopathic generalized epilepsy. Last evaluated: 2022-10-18. Review status: criteria provided, single submitter. Criteria: Invitae Variant Classification Sherloc (09022015). Collection method: clinical testing. Allele origin: germline.
Comment: In summary, the available evidence is currently insufficient to determine the role of this variant in disease. Therefore, it has been classified as a Variant of Uncertain Significance. Algorithms developed to predict the effect of sequence changes on RNA splicing suggest that this variant is not likely to affect RNA splicing. ClinVar contains an entry for this variant (Variation ID: 1501263). This variant has not been reported in the literature in individuals affected with GABRA1-related conditions. This variant is present in population databases (no rsID available, gnomAD 0.0009%). This sequence change affects codon 234 of the GABRA1 mRNA. It is a 'silent' change, meaning that it does not change the encoded amino acid sequence of the GABRA1 protein. It affects a nucleotide within the consensus splice site.

NM_001127644.2(GABRA1):c.702A>G (p.Thr234=)

Gene: GABRA1 (gamma-aminobutyric acid type A receptor subunit alpha1; plus strand). Cytogenetic location: 5q34.
Variant type: single nucleotide variant.
Coding change: c.702A>G on transcript NM_001127644.2 (MANE Select); coding-DNA position 702, A replaced by G.
Protein change: p.Thr234=; no amino-acid change (threonine 234 retained).
Molecular consequence: synonymous variant.
Genome position (GRCh38, 1-based): chr5:161,882,700, A>G. VCF-style: chr5-161882700-A-G. GRCh37 (hg19) VCF-style: chr5-161309706-A-G.
Other names: c.702A>G, p.Thr234= (NM_000806.5, NM_001127643.2, NM_001127645.2 and 1 more transcripts).
Identifiers: ClinVar variation 1501263 (VCV001501263.8), dbSNP rs1392262946, ClinGen allele CA447609290.